The following is an entry in ClinVar:

NM_006514.4(SCN10A):c.3682-329T>C

Gene: SCN10A (sodium voltage-gated channel alpha subunit 10; minus strand). Cytogenetic location: 3p22.2.
Variant type: single nucleotide variant.
Coding change: c.3682-329T>C on transcript NM_006514.4 (MANE Select); 329 bases into the intron before coding-DNA position 3682, T replaced by C.
Molecular consequence: intron variant.
Genome position (GRCh38, 1-based): chr3:38,714,409, A>G on the plus strand (T>C on the coding strand, the complement: SCN10A is on the minus strand). VCF-style: chr3-38714409-A-G. GRCh37 (hg19) VCF-style: chr3-38755900-A-G.
Other names: c.3388-329T>C (NM_001293307.2); c.3679-329T>C (NM_001293306.2).
Identifiers: ClinVar variation 668852 (VCV000668852.1), dbSNP rs61014925, ClinGen allele CA15237789.
Genomic context (GRCh38, chr3:38,714,409, plus strand): 5'-AAGCTTCCAGTGTATTAAATCAACTCTTCCTTTTCCTTCTAGGGGCAGCAGTCAGGCCTC[A>G]ACAACCTTGAAACTGATTTTCAGAGACTTGGAGACATGATGTTCCCTCCTAGGGGCTATG-3'

ClinVar aggregate classification (germline): Benign (1 of 4 stars; one submission).

Allele frequency attached by ClinVar (database versions not stated): TOPMed 0.20424; 1000 Genomes Project 30x 0.20831; 1000 Genomes Project 0.21206; gnomAD 0.21303 and 0.21592.
gnomAD v4.1: 32,999 of 152,178 alleles (22%); highest among the groups gnomAD compares: East Asian, 40%; 4,059 homozygotes.

Submission:

GeneDx
Classification: Benign. Last evaluated: 2018-06-19. Review status: criteria provided, single submitter. Criteria: GeneDx Variant Classification (06012015). Collection method: clinical testing. Allele origin: germline. Affected: yes.
Comment: This variant is considered likely benign or benign based on one or more of the following criteria: it is a conservative change, it occurs at a poorly conserved position in the protein, it is predicted to be benign by multiple in silico algorithms, and/or has population frequency not consistent with disease.